The following is an entry in ClinVar:

ClinVar aggregate classification (germline): Uncertain significance (1 of 4 stars; one submission).

Submission:

Labcorp Genetics (formerly Invitae), Labcorp
Classification: Uncertain significance. Last evaluated: 2024-01-25. Review status: criteria provided, single submitter. Criteria: Invitae Variant Classification Sherloc (09022015). Collection method: clinical testing. Allele origin: germline.
Comment: This variant results in a copy number gain of the genomic region encompassing exon(s) 32-36 of the KMT2A gene. This region includes the termination codon of the gene. This copy number gain extends beyond the assayed region for this gene and therefore may encompass additional genes. As the precise location of this event is unknown, it may be in tandem or it may be located elsewhere in the genome. This variant has not been reported in the literature in individuals affected with KMT2A-related conditions. In summary, the available evidence is currently insufficient to determine the role of this variant in disease. Therefore, it has been classified as a Variant of Uncertain Significance.

NC_000011.9:g.(?_118390313)_(118392887_?)dup

Gene: KMT2A (lysine methyltransferase 2A; plus strand). Cytogenetic location: 11q23.3.
Variant type: Duplication.
Identifiers: ClinVar variation 2423960 (VCV002423960.4).